The following is an entry in ClinVar:

ClinVar aggregate classification (germline): Conflicting classifications of pathogenicity. Review status: criteria provided, conflicting classifications (1 of 4 stars). 2 submissions from 2 submitters: Uncertain significance (1); Likely benign (1). Last evaluated 2026-08-11.

Conditions:
Hereditary cancer-predisposing syndrome. Also called: Neoplastic Syndromes, Hereditary; Hereditary Cancer Syndrome; Hereditary neoplastic syndrome; Tumor predisposition. Identifiers: Orphanet 140162, MedGen C0027672, MeSH D009386, MONDO:0015356.
Gorlin syndrome. Also called: Nevoid Basal Cell Carcinoma Syndrome; Basal cell nevus syndrome. Identifiers: Orphanet 377, MedGen C0004779, MONDO:0007187.

Allele frequency attached by ClinVar (database versions not stated): TOPMed below 0.00001.
gnomAD v4.1: 7 of 1,399,420 alleles (0.0005%); highest among the groups gnomAD compares: Admixed American, 0.0034%; no homozygotes.

Submissions (2):

Ambry Genetics
Classification: Likely benign for Hereditary cancer-predisposing syndrome. Last evaluated: 2026-08-11. Review status: criteria provided, single submitter. Criteria: Ambry Variant Classification Scheme 2023. Collection method: clinical testing. Allele origin: germline.

Labcorp Genetics (formerly Invitae), Labcorp
Classification: Uncertain significance for Gorlin syndrome. Last evaluated: 2025-08-18. Review status: criteria provided, single submitter. Criteria: Invitae Variant Classification Sherloc (09022015). Collection method: clinical testing. Allele origin: germline.
Comment: This sequence change replaces serine, which is neutral and polar, with glycine, which is neutral and non-polar, at codon 18 of the PTCH1 protein (p.Ser18Gly). This variant is not present in population databases (gnomAD no frequency). This variant has not been reported in the literature in individuals affected with PTCH1-related conditions. ClinVar contains an entry for this variant (Variation ID: 660066). Invitae Evidence Modeling of protein sequence and biophysical properties (such as structural, functional, and spatial information, amino acid conservation, physicochemical variation, residue mobility, and thermodynamic stability) indicates that this missense variant is not expected to disrupt PTCH1 protein function with a negative predictive value of 95%. In summary, the available evidence is currently insufficient to determine the role of this variant in disease. Therefore, it has been classified as a Variant of Uncertain Significance.

NM_000264.5(PTCH1):c.52A>G (p.Ser18Gly)

Genes: PTCH1 (patched 1; minus strand), LOC130002133 (ATAC-STARR-seq lymphoblastoid silent region 20071; plus strand). Cytogenetic location: 9q22.32.
Variant type: single nucleotide variant.
Coding change: c.52A>G on transcript NM_000264.5 (MANE Select); coding-DNA position 52, A replaced by G.
Protein change: p.Ser18Gly; replaces serine 18 with glycine.
Molecular consequence: missense variant. On other transcripts: non-coding transcript variant (1), intron variant (3).
Genome position (GRCh38, 1-based): chr9:95,508,310, T>C on the plus strand (A>G on the coding strand, the complement: PTCH1 is on the minus strand). VCF-style: chr9-95508310-T-C. GRCh37 (hg19) VCF-style: chr9-98270592-T-C.
Other names: c.52A>G, p.Ser18Gly (NM_001354918.2); c.199-1711A>G (NM_001083603.3); c.4-1711A>G (NM_001083602.3, NM_001354919.2); short protein forms S18G.
Identifiers: ClinVar variation 660066 (VCV000660066.12), dbSNP rs1199437529, ClinGen allele CA374121512.